The following is an entry in ClinVar:

NM_001042492.3(NF1):c.7865T>G (p.Val2622Gly)

Gene: NF1 (neurofibromin 1; plus strand). Cytogenetic location: 17q11.2.
Variant type: single nucleotide variant.
Coding change: c.7865T>G on transcript NM_001042492.3 (MANE Select); coding-DNA position 7865, T replaced by G.
Protein change: p.Val2622Gly; replaces valine 2622 with glycine.
Molecular consequence: missense variant.
Genome position (GRCh38, 1-based): chr17:31,357,086, T>G. VCF-style: chr17-31357086-T-G. GRCh37 (hg19) VCF-style: chr17-29684104-T-G.
Other names: c.7802T>G, p.Val2601Gly (NM_000267.4); short protein forms V2601G, V2622G.
Identifiers: ClinVar variation 3634606 (VCV003634606.2).
Genomic context (GRCh38, chr17:31,357,086, plus strand): 5'-ATGTTCTCTTGGATGAAGAAGTACTTACTGATCCGAAGATCCAGGCGCTGCTTCTTACTG[T>G]TCTAGTAAGGATTTCCCCTTTTTGAGTCCCCCACCCTCAAATTTTTATTCCAGTCTACTT-3'
Protein context (NP_001035957.1, residues 2612-2632): DPKIQALLLT[Val2622Gly]LATLVKYTTD

ClinVar aggregate classification (germline): Uncertain significance (1 of 4 stars; one submission).

Conditions:
Neurofibromatosis, type 1 (NF1). Also called: VON RECKLINGHAUSEN DISEASE; Peripheral type neurofibromatosis; NEUROFIBROMATOSIS, TYPE I, SOMATIC; Neurofibromatosis, type I. Identifiers: Orphanet 636, MedGen C0027831, MONDO:0018975, OMIM 162200. Disease mechanism: loss of function.

Submission:

Labcorp Genetics (formerly Invitae), Labcorp
Classification: Uncertain significance for Neurofibromatosis, type 1. Last evaluated: 2024-03-23. Review status: criteria provided, single submitter. Criteria: Invitae Variant Classification Sherloc (09022015). Collection method: clinical testing. Allele origin: germline.
Comment: This sequence change replaces valine, which is neutral and non-polar, with glycine, which is neutral and non-polar, at codon 2601 of the NF1 protein (p.Val2601Gly). This variant is not present in population databases (gnomAD no frequency). This variant has not been reported in the literature in individuals affected with NF1-related conditions. Advanced modeling of protein sequence and biophysical properties (such as structural, functional, and spatial information, amino acid conservation, physicochemical variation, residue mobility, and thermodynamic stability) performed at Invitae indicates that this missense variant is expected to disrupt NF1 protein function with a positive predictive value of 95%. In summary, the available evidence is currently insufficient to determine the role of this variant in disease. Therefore, it has been classified as a Variant of Uncertain Significance.